The following is an entry in ClinVar:

ClinVar aggregate classification (germline): Uncertain significance. Review status: criteria provided, multiple submitters, no conflicts (2 of 4 stars). 2 submissions from 2 submitters: Uncertain significance (2). Last evaluated 2025-04-29.

Conditions:
Alagille syndrome due to a NOTCH2 point mutation. Also called: Alagille syndrome 2. Identifiers: Orphanet 261629, Orphanet 52, MedGen C1857761, MONDO:0012439, OMIM 610205.
Hajdu-Cheney syndrome (HJCYS). Also called: SERPENTINE FIBULA-POLYCYSTIC KIDNEY SYNDROME; Acroosteolysis dominant type; ACROOSTEOLYSIS WITH OSTEOPOROSIS AND CHANGES IN SKULL AND MANDIBLE. Identifiers: Orphanet 955, MedGen C0917715, MONDO:0007057, OMIM 102500.

Allele frequency attached by ClinVar (database versions not stated): gnomAD exomes 0.00001; ExAC 0.00001.
gnomAD v4.1: 10 of 1,614,188 alleles (0.00062%); highest among the groups gnomAD compares: Non-Finnish European, 0.00085%; no homozygotes.

Submissions (2):

Labcorp Genetics (formerly Invitae), Labcorp
Classification: Uncertain significance for Hajdu-Cheney syndrome. Last evaluated: 2025-04-29. Review status: criteria provided, single submitter. Criteria: Invitae Variant Classification Sherloc (09022015). Collection method: clinical testing. Allele origin: germline.
Comment: This sequence change replaces lysine, which is basic and polar, with glutamic acid, which is acidic and polar, at codon 1073 of the NOTCH2 protein (p.Lys1073Glu). This variant is present in population databases (rs782796321, gnomAD 0.0009%). This variant has not been reported in the literature in individuals affected with NOTCH2-related conditions. ClinVar contains an entry for this variant (Variation ID: 2729712). Invitae Evidence Modeling of protein sequence and biophysical properties (such as structural, functional, and spatial information, amino acid conservation, physicochemical variation, residue mobility, and thermodynamic stability) indicates that this missense variant is not expected to disrupt NOTCH2 protein function with a negative predictive value of 80%. In summary, the available evidence is currently insufficient to determine the role of this variant in disease. Therefore, it has been classified as a Variant of Uncertain Significance.

Fulgent Genetics
Classification: Uncertain significance for Hajdu-Cheney syndrome; Alagille syndrome due to a NOTCH2 point mutation. Last evaluated: 2024-03-05. Review status: criteria provided, single submitter. Criteria: ACMG Guidelines, 2015. Collection method: clinical testing. Allele origin: germline.

NM_024408.4(NOTCH2):c.3217A>G (p.Lys1073Glu)

Gene: NOTCH2 (notch receptor 2; minus strand). Cytogenetic location: 1p12.
Variant type: single nucleotide variant.
Coding change: c.3217A>G on transcript NM_024408.4 (MANE Select); coding-DNA position 3217, A replaced by G.
Protein change: p.Lys1073Glu; replaces lysine 1073 with glutamic acid.
Molecular consequence: missense variant.
Genome position (GRCh38, 1-based): chr1:119,937,977, T>C on the plus strand (A>G on the coding strand, the complement: NOTCH2 is on the minus strand). VCF-style: chr1-119937977-T-C. GRCh37 (hg19) VCF-style: chr1-120480600-T-C.
Other names: c.3217A>G, p.Lys1073Glu (NM_001200001.2); short protein forms K1073E.
Identifiers: ClinVar variation 2729712 (VCV002729712.4), dbSNP rs782796321, ClinGen allele CA1040119.